The following is an entry in ClinVar:

ClinVar aggregate classification (germline): Likely pathogenic (1 of 4 stars; one submission).

Conditions:
Inborn genetic diseases. Identifiers: MedGen C0950123, MeSH D030342.

Submission:

Ambry Genetics
Classification: Likely pathogenic for Inborn genetic diseases. Last evaluated: 2019-04-22. Review status: criteria provided, single submitter. Criteria: Ambry Variant Classification Scheme 2023. Collection method: clinical testing. Allele origin: germline.
Comment: The c.991-1G>A intronic variant results from a G to A substitution one nucleotide upstream from coding exon 12 of the TCF4 gene. This nucleotide position is highly conserved in available vertebrate species. Using the BDGP and ESEfinder splice site prediction tools, this alteration is predicted to abolish the native splice acceptor site; however, direct evidence is unavailable. Alterations that disrupt the canonical splice site are expected to cause aberrant splicing, resulting in an abnormal protein or a transcript that is subject to nonsense-mediated mRNA decay. As such, this alteration is classified as likely pathogenic.

NM_001083962.2(TCF4):c.991-1G>A

Gene: TCF4 (transcription factor 4; minus strand). Cytogenetic location: 18q21.2.
Variant type: single nucleotide variant.
Coding change: c.991-1G>A on transcript NM_001083962.2 (MANE Select); the canonical splice acceptor site of the intron before coding-DNA position 991, G replaced by A.
Molecular consequence: splice acceptor variant.
Genome position (GRCh38, 1-based): chr18:55,260,028, C>T on the plus strand (G>A on the coding strand, the complement: TCF4 is on the minus strand). VCF-style: chr18-55260028-C-T. GRCh37 (hg19) VCF-style: chr18-52927259-C-T.
Other names: c.1297-1G>A (NM_001243226.3); c.916-1G>A (NM_001369584.1, NM_001369576.1, NM_001369585.1 and 3 more transcripts); c.919-1G>A (NM_001369577.1, NM_001369582.1, NM_001243227.2 and 9 more transcripts); c.991-1G>A (NM_001369571.1, NM_001369567.1, NM_001369572.1 and 4 more transcripts); c.1009-1G>A (NM_001243228.2); c.985-1G>A (NM_001243230.2); c.988-1G>A (NM_001369569.1, NM_001369573.1, NM_001369570.1); c.865-1G>A (NM_001243231.2, NM_001348211.2); and 4 more.
Identifiers: ClinVar variation 1768596 (VCV001768596.2), dbSNP rs2512251370, ClinGen allele CA402534901.